The following is an entry in ClinVar:

NM_024422.6(DSC2):c.1840A>G (p.Ser614Gly)

Gene: DSC2 (desmocollin 2; minus strand). Cytogenetic location: 18q12.1.
Variant type: single nucleotide variant.
Coding change: c.1840A>G on transcript NM_024422.6 (MANE Select); coding-DNA position 1840, A replaced by G.
Protein change: p.Ser614Gly; replaces serine 614 with glycine.
Molecular consequence: missense variant.
Genome position (GRCh38, 1-based): chr18:31,074,731, T>C on the plus strand (A>G on the coding strand, the complement: DSC2 is on the minus strand). VCF-style: chr18-31074731-T-C. GRCh37 (hg19) VCF-style: chr18-28654697-T-C.
Other names: c.1840A>G, p.Ser614Gly (NM_004949.5); short protein forms S614G.
Identifiers: ClinVar variation 856215 (VCV000856215.16), dbSNP rs1986952876, ClinGen allele CA402113884.
Genomic context (GRCh38, chr18:31,074,731, plus strand): 5'-AAAAATATATACCATTAATTGCTTTCAGTCTCCACATTCTCTGTACTTCTGAAGTAGAAC[T>C]CTCCAGACTAAAGTCAAAGGGTGGGCCATGGATAGGCTCATCAGGATCAACCGCAACAAT-3'
Protein context (NP_077740.1, residues 604-624): HGPPFDFSLE[Ser614Gly]STSEVQRMWR

ClinVar aggregate classification (germline): Conflicting classifications of pathogenicity. Review status: criteria provided, conflicting classifications (1 of 4 stars). 5 submissions from 5 submitters: Uncertain significance (3); Likely benign (2). Last evaluated 2025-09-07.

Conditions:
Cardiovascular phenotype. Identifiers: MedGen CN230736.
Familial isolated arrhythmogenic right ventricular dysplasia. Identifiers: Orphanet 217656, MedGen C4274968, MONDO:0016342.
Cardiomyopathy (CMYO). Also called: Cardiomyopathies. Identifiers: Orphanet 167848, MedGen C0878544, MONDO:0004994, HP:0001638. Inheritance: Various modes of inheritance.
Arrhythmogenic right ventricular dysplasia 11. Also called: ARRHYTHMOGENIC RIGHT VENTRICULAR DYSPLASIA, FAMILIAL, 11; Arrhythmogenic Right Ventricular Dysplasia/Cardiomyopathy11; Arrhythmogenic right ventricular dysplasia 11 with mild palmoplantar keratoderma and woolly hair. Identifiers: MedGen C1864850, MONDO:0012506, OMIM 610476.

Allele frequency attached by ClinVar (database versions not stated): TOPMed below 0.00001; gnomAD exomes below 0.00001.
gnomAD v4.1: 1 of 1,613,952 alleles (0.000062%); highest among the groups gnomAD compares: Non-Finnish European, 0.000085%; no homozygotes.

Submissions (5):

Ambry Genetics
Classification: Uncertain significance for Cardiovascular phenotype. Last evaluated: 2025-09-07. Review status: criteria provided, single submitter. Criteria: Ambry Variant Classification Scheme 2023. Collection method: clinical testing. Allele origin: germline.
Comment: The p.S614G variant (also known as c.1840A>G), located in coding exon 12 of the DSC2 gene, results from an A to G substitution at nucleotide position 1840. The serine at codon 614 is replaced by glycine, an amino acid with similar properties. This amino acid position is conserved. In addition, this alteration is predicted to be tolerated by in silico analysis. Based on the available evidence, the clinical significance of this variant remains unclear.

Color Diagnostics, LLC DBA Color Health
Classification: Likely benign for Cardiomyopathy. Last evaluated: 2024-08-27. Review status: criteria provided, single submitter. Criteria: ACMG Guidelines, 2015. Collection method: clinical testing. Allele origin: germline.

GeneDx
Classification: Uncertain significance. Last evaluated: 2024-02-27. Review status: criteria provided, single submitter. Criteria: GeneDx Variant Classification Process June 2021. Collection method: clinical testing. Allele origin: germline. Affected: yes.
Comment: Not observed at significant frequency in large population cohorts (gnomAD); In silico analysis supports that this missense variant does not alter protein structure/function; Has not been previously published as pathogenic or benign to our knowledge

All of Us Research Program, National Institutes of Health
Classification: Likely benign for Familial isolated arrhythmogenic right ventricular dysplasia. Last evaluated: 2023-06-26. Review status: criteria provided, single submitter. Criteria: ACMG Guidelines, 2015. Collection method: clinical testing. Allele origin: germline. Inheritance: Autosomal dominant inheritance. Observed: 1 variant allele, 1 heterozygote.
Comment: This study involves interpretation of variants in research participants for the purpose of population health screening. Participant phenotype was not available at the time of variant classification. Additional details can be found in publication PMID: 35346344, PMCID: PMC8962531

Labcorp Genetics (formerly Invitae), Labcorp
Classification: Uncertain significance for Arrhythmogenic right ventricular dysplasia 11. Last evaluated: 2019-05-15. Review status: criteria provided, single submitter. Criteria: Invitae Variant Classification Sherloc (09022015). Collection method: clinical testing. Allele origin: germline.
Comment: Algorithms developed to predict the effect of missense changes on protein structure and function output the following: SIFT: "Deleterious"; PolyPhen-2: "Benign"; Align-GVGD: "Class C0". The glycine amino acid residue is found in multiple mammalian species, suggesting that this missense change does not adversely affect protein function. These predictions have not been confirmed by published functional studies and their clinical significance is uncertain. This sequence change replaces serine with glycine at codon 614 of the DSC2 protein (p.Ser614Gly). The serine residue is moderately conserved and there is a small physicochemical difference between serine and glycine. This variant is not present in population databases (ExAC no frequency). This variant has not been reported in the literature in individuals with DSC2-related conditions. In summary, the available evidence is currently insufficient to determine the role of this variant in disease. Therefore, it has been classified as a Variant of Uncertain Significance.